The following is an entry in ClinVar:

NM_001130144.3(LTBP3):c.1621+1G>T

Gene: LTBP3 (latent transforming growth factor beta binding protein 3; minus strand). Cytogenetic location: 11q13.1.
Variant type: single nucleotide variant.
Coding change: c.1621+1G>T on transcript NM_001130144.3 (MANE Select); the canonical splice donor site of the intron after coding-DNA position 1621, G replaced by T.
Molecular consequence: splice donor variant.
Genome position (GRCh38, 1-based): chr11:65,551,401, C>A on the plus strand (G>T on the coding strand, the complement: LTBP3 is on the minus strand). VCF-style: chr11-65551401-C-A. GRCh37 (hg19) VCF-style: chr11-65318872-C-A.
Other names: c.1270+1G>T (NM_001164266.1); c.1621+1G>T (NM_021070.4).
Identifiers: ClinVar variation 3630618 (VCV003630618.2).
Genomic context (GRCh38, chr11:65,551,401, plus strand): 5'-AACTCCCCGCCCACCCAGTGATTTAGCCCTTGAGGACTCATCCCTACAGTGCCCAGCTCA[C>A]CGGGGTAGGGCCGGGCAGGAGTCGTGGTGGCAGTTGGGTGGCTCTGCTGCACTGACCTCT-3'

ClinVar aggregate classification (germline): Likely pathogenic (1 of 4 stars; one submission).

Conditions:
Brachyolmia-amelogenesis imperfecta syndrome. Also called: PLATYSPONDYLY WITH AMELOGENESIS IMPERFECTA; Tooth agenesis, selective, 6; Dental anomalies and short stature. Identifiers: Orphanet 2899, MedGen C1832594, MONDO:0011018, OMIM 601216. Disease mechanism: loss of function.

Submission:

Labcorp Genetics (formerly Invitae), Labcorp
Classification: Likely pathogenic for Brachyolmia-amelogenesis imperfecta syndrome. Last evaluated: 2024-12-20. Review status: criteria provided, single submitter. Criteria: Invitae Variant Classification Sherloc (09022015). Collection method: clinical testing. Allele origin: germline.
Comment: This sequence change affects a donor splice site in intron 10 of the LTBP3 gene. It is expected to disrupt RNA splicing. Variants that disrupt the donor or acceptor splice site typically lead to a loss of protein function (PMID: 16199547), and loss-of-function variants in LTBP3 are known to be pathogenic (PMID: 11790802, 19344874, 25669657). This variant is not present in population databases (gnomAD no frequency). This variant has not been reported in the literature in individuals affected with LTBP3-related conditions. Algorithms developed to predict the effect of sequence changes on RNA splicing suggest that this variant may disrupt the consensus splice site. In summary, the currently available evidence indicates that the variant is pathogenic, but additional data are needed to prove that conclusively. Therefore, this variant has been classified as Likely Pathogenic.

Literature cited by the submitters: PubMed 16199547; PubMed 11790802; PubMed 19344874; PubMed 25669657.